The following is an entry in ClinVar:

ClinVar aggregate classification (germline): Likely pathogenic (1 of 4 stars; one submission).

Submission:

Labcorp Genetics (formerly Invitae), Labcorp
Classification: Likely pathogenic. Last evaluated: 2021-02-16. Review status: criteria provided, single submitter. Criteria: Invitae Variant Classification Sherloc (09022015). Collection method: clinical testing. Allele origin: germline.
Comment: In summary, the currently available evidence indicates that the variant is pathogenic, but additional data are needed to prove that conclusively. Therefore, this variant has been classified as Likely Pathogenic. Algorithms developed to predict the effect of sequence changes on RNA splicing suggest that this variant may disrupt the consensus splice site, but this prediction has not been confirmed by published transcriptional studies. This variant has not been reported in the literature in individuals with STAR-related conditions. This variant is not present in population databases (ExAC no frequency). This sequence change affects an acceptor splice site in intron 4 of the STAR gene. It is expected to disrupt RNA splicing. Variants that disrupt the donor or acceptor splice site typically lead to a loss of protein function (PMID: 16199547), and loss-of-function variants in STAR are known to be pathogenic (PMID: 8948562).

Literature cited by the submitters: PubMed 16199547; PubMed 8948562.

NM_000349.3(STAR):c.466-3_466-1del

Gene: STAR (steroidogenic acute regulatory protein; minus strand). Cytogenetic location: 8p11.23.
Variant type: Deletion.
Coding change: c.466-3_466-1del on transcript NM_000349.3 (MANE Select); 3 bases into the intron before coding-DNA position 466 through the canonical splice acceptor site of the intron before coding-DNA position 466, 3 bases deleted (TAG; older notation c.466-3_466-1delTAG).
Molecular consequence: splice acceptor variant.
Genome position (GRCh38, 1-based): chr8:38,146,148-38,146,150, CTA deleted on the plus strand (TAG on the coding strand, the reverse complement: STAR is on the minus strand); deleting any 3 consecutive bases within chr8:38,146,148-38,146,151 gives the same sequence; the c. name uses the placement nearest the transcript's 3' end. VCF-style (leftmost placement, unchanged base first): chr8-38146147-CCTA-C. GRCh37 (hg19) VCF-style: chr8-38003665-CCTA-C.
Identifiers: ClinVar variation 1500729 (VCV001500729.8), dbSNP rs1412774624, ClinGen allele CA851447949.
Genomic context (GRCh38, chr8:38,146,147, plus strand): 5'-CTGCTGCCTCGGCAGCCAGCTCGTGAGTAATGAATGTATCTTTTCCGATCTTCTGCAGGA[CCTA>C]CCAGGCCATGGGGAACCAGAATCACGACTCAGCCTGTGTTGGGCTAAGCACCCCCCACAG-3'